The following is an entry in ClinVar:

ClinVar aggregate classification (germline): Conflicting classifications of pathogenicity. Review status: criteria provided, conflicting classifications (1 of 4 stars). 20 submissions from 19 submitters: Uncertain significance (13); Likely benign (3). 4 of the submissions do not count toward it. Last evaluated 2026-01-20.

Conditions:
CFTR-related disorder (CFTR-RD). Also called: CFTR-related disorders; CFTR-related condition. Identifiers: MedGen C5924204, MONDO:7770004.
Congenital bilateral aplasia of vas deferens from CFTR mutation (CBAVD). Identifiers: Orphanet 48, MedGen C0403814, MONDO:0010178, OMIM 277180. Disease mechanism: loss of function.
Bronchiectasis with or without elevated sweat chloride 1 (BESC1). Also called: Cystic Fibrosis-Like Syndrome. Identifiers: Orphanet 60033, MedGen C2749757, MONDO:0008887, OMIM 211400.
Cystic fibrosis (CF). Also called: MUCOVISCIDOSIS. Identifiers: Orphanet 586, MedGen C0010674, MONDO:0009061, OMIM 219700. Disease mechanism: loss of function.
Hereditary pancreatitis (PCTT). Also called: Hereditary chronic pancreatitis; PRSS1-Related Hereditary Pancreatitis. Identifiers: Orphanet 676, MedGen C0238339, MONDO:0008185, OMIM 167800.

Allele frequency attached by ClinVar (database versions not stated): gnomAD 0.00009 and 0.00024; TOPMed 0.00009; gnomAD exomes 0.00014; 1000 Genomes Project 30x 0.00094; 1000 Genomes Project 0.00120.
gnomAD v4.1: 606 of 1,614,034 alleles (0.038%); highest among the groups gnomAD compares: East Asian, 1.2%; 6 homozygotes.

Submissions 1 to 11 of 20:

Labcorp Genetics (formerly Invitae), Labcorp
Classification: Likely benign for Cystic fibrosis. Last evaluated: 2026-01-20. Review status: criteria provided, single submitter. Criteria: Invitae Variant Classification Sherloc (09022015). Collection method: clinical testing. Allele origin: germline.

Women's Health and Genetics/Laboratory Corporation of America, LabCorp
Classification: Uncertain significance. Last evaluated: 2025-10-21. Review status: criteria provided, single submitter. Criteria: LabCorp Variant Classification Summary - May 2015. Collection method: clinical testing. Allele origin: germline.
Comment: Variant summary: CFTR c.4357C>T (p.Arg1453Trp) results in a non-conservative amino acid change in the encoded protein sequence. Algorithms developed to predict the effect of missense changes on protein structure and function all suggest that this variant is likely to be disruptive. The variant allele was found at a frequency of 0.00043 in 258140 control chromosomes, predominantly at a frequency of 0.0011 within the East Asian subpopulation in the gnomAD database. This frequency is not significantly higher than estimated for disease-causing variants in CFTR, allowing no conclusion about variant significance. c.4357C>T has not been reported in the literature in individuals affected with Cystic Fibrosis or Congenital Bilateral Absence of the Vas Deferens, it was found in several Japanese patients with pancreatitis, and was also described in some patients affected with diffuse panbronchiolitis, bronchiectasis and asthma (example, Hirai_2023). These reports do not provide unequivocal conclusions about association of the variant with the reported disease phenotypes. In two Japanese case-control studies, this variant was not significantly overrepresented in pancreatitis patient cohorts compared to controls (Fujiki_2004, Nakano_2015). In two other studies however, the frequency of this variant was higher in pancreatitis patients than in controls, though the sample sizes were small (Kondo_2015, Iso_2019). Therefore, whether this variant is a risk variant to pancreatitis needs to be further investigated. In one ICP patient, this variant co-occurred with another pathogenic variant (c.194+2T>C) and a risk variant (c.101A>G/p.Asn34Ser) in the SPINK1 gene (Nakano_2015), suggesting this variant was not a primary cause of disease in the patient. One functional study has shown that this variant leads to 37% decrease in whole cell chloride currents due to significantly reduced (by 78%) channel opening probability (Lee_2003), but the clinical significance of this effect on the associated pathophysiology of disease is unclear. The following publications have been ascertained in the context of this evaluation (PMID: 11504857, 15121783, 30992994, 17003641, 20879059, 26089335, 12952861, 25492507, 12166651, 20571109, 36599151). ClinVar contains an entry for this variant (Variation ID: 411121). Based on the evidence outlined above, the variant was classified as uncertain significance.

Mayo Clinic Laboratories, Mayo Clinic
Classification: Uncertain significance. Last evaluated: 2025-09-24. Review status: criteria provided, single submitter. Criteria: ACMG Guidelines, 2015. Collection method: clinical testing. Allele origin: germline. Observed: 4 variant alleles.

GeneDx
Classification: Uncertain significance. Last evaluated: 2025-08-19. Review status: criteria provided, single submitter. Criteria: GeneDx Variant Classification Process June 2021. Collection method: clinical testing. Allele origin: germline.
Comment: Published functional studies demonstrate reduced channel opening probability, normal gene expression and splicing, and no significant effect on cAMP-activated anion exchange (PMID: 12952861, 30992994); Observed in individuals with pancreatitis or bronchiectasis as well as in healthy controls (PMID: 12952861, 15121783, 17003641, 19383231, 26089335, 25492507, 30992994, 35387941, 35313924, 36599151); In silico analysis suggests that this missense variant does not alter protein structure/function; Also known as c.4489C>T; This variant is associated with the following publications: (PMID: 20981092, 34996830, 35387941, 12952861, Jefri[thesis]2018, 20571109, Yoshimura[abstract]2012, 26089335, 25492507, 30992994, 22664493, 20879059, 19383231, 11504857, 17003641, 15121783, 12166651, 35313924, 22515107, 37313453, 36599151, 38695616, 40682402, 39855646, 40044664)

Ambry Genetics
Classification: Uncertain significance for Cystic fibrosis. Last evaluated: 2025-05-29. Review status: criteria provided, single submitter. Criteria: Ambry Variant Classification Scheme 2023. Collection method: clinical testing. Allele origin: germline.
Comment: The p.R1453W variant (also known as c.4357C>T), located in coding exon 27 of the CFTR gene, results from a C to T substitution at nucleotide position 4357. The arginine at codon 1453 is replaced by tryptophan, an amino acid with dissimilar properties. This variant was observed in an individual diagnosed with bronchiectasis, but also in two healthy control individuals. The authors demonstrated that although this variant had no effect on the expression of the protein, there was a reduction in chloride channel function (Lee JH, et al. Hum Mol Genet. 2003;12(18):2321-2332). This variant has been observed in multiple individuals diagnosed with pancreatitis (Fujiki K et al. J Med Genet. 2004;41(5):e55; Kondo S et al. Am. J. Physiol. Gastrointest. Liver Physiol., 2015 Aug;309:G260-9; Iso M et al. Hum Genome Var, 2019 Apr;6:17; Fujita S et al. Endocr J, 2022 Sep;69:1101-1108). This amino acid position is well conserved in available vertebrate species. In addition, the in silico prediction for this alteration is inconclusive. Based on available evidence to date, the clinical significance of this alteration remains unclear.

Blueprint Genetics
Classification: Uncertain significance. Last evaluated: 2024-11-06. Review status: criteria provided, single submitter. Criteria: ACMG Guidelines, 2015. Collection method: clinical testing. Allele origin: germline.

Fulgent Genetics
Classification: Uncertain significance for Hereditary pancreatitis; Bronchiectasis with or without elevated sweat chloride 1; Cystic fibrosis; Congenital bilateral aplasia of vas deferens from CFTR mutation. Last evaluated: 2024-06-12. Review status: criteria provided, single submitter. Criteria: ACMG Guidelines, 2015. Collection method: clinical testing. Allele origin: germline.

Johns Hopkins Genomics, Johns Hopkins University
Classification: Likely benign for Cystic fibrosis. Last evaluated: 2024-02-29. Review status: criteria provided, single submitter. Criteria: ACMG Guidelines, 2015. Collection method: clinical testing. Allele origin: germline.
Comment: PP3, BS1_supporting, BS2

Revvity Omics, Revvity
Classification: Uncertain significance. Last evaluated: 2021-09-24. Review status: criteria provided, single submitter. Criteria: ACMG Guidelines, 2015. Collection method: clinical testing. Allele origin: germline.

Sema4
Classification: Uncertain significance for Hereditary pancreatitis. Last evaluated: 2021-06-03. Review status: criteria provided, single submitter. Criteria: Sema4 Curation Guidelines. Collection method: curation. Allele origin: germline.
Comment: The CFTR c.4357C>T (p.R1453W) variant has been reported in numerous individuals with pancreatitis and at comparable frequencies in ethnically matched unaffected controls (PMID: 15121783, 17003641, 19383231, 26089335, 25492507, 30992994). Functional analyses indicate that this variant results in decreased whole cell chloride currents due to significantly reduced channel opening probability; however, the clinical relevance of this finding is unclear (PMID: 12952861). It was observed in 20/19892 chromosomes in the East Asian subpopulation in the large and broad cohorts of the Genome Aggregation Database (PMID: 32461654). The variant has been reported in ClinVar (Variation ID: 411121). In silico tools suggest the impact of the variant on protein function is inconclusive. The evidence is insufficient to meet ACMG/AMP criteria for classifying the variant as benign or pathogenic. Thus, the clinical significance of this variant is currently uncertain.

Quest Diagnostics Nichols Institute San Juan Capistrano
Classification: Uncertain significance. Last evaluated: 2020-03-03. Review status: criteria provided, single submitter. Criteria: Quest Diagnostics criteria. Collection method: clinical testing. Allele origin: unknown.

NM_000492.4(CFTR):c.4357C>T (p.Arg1453Trp)

Genes: CFTR (CF transmembrane conductance regulator; plus strand), LOC111674477 (CFTR intron 23 enhancer; plus strand). Cytogenetic location: 7q31.2.
Variant type: single nucleotide variant.
Coding change: c.4357C>T on transcript NM_000492.4 (MANE Select); coding-DNA position 4357, C replaced by T.
Protein change: p.Arg1453Trp; replaces arginine 1453 with tryptophan.
Molecular consequence: missense variant.
Genome position (GRCh38, 1-based): chr7:117,667,022, C>T. VCF-style: chr7-117667022-C-T. GRCh37 (hg19) VCF-style: chr7-117307076-C-T.
Other names: short protein forms R1453W.
Identifiers: ClinVar variation 411121 (VCV000411121.58), dbSNP rs4148725, ClinGen allele CA4451697.